The following is an entry in ClinVar:

NM_001363711.2(DUOX2):c.2573A>T (p.Asp858Val)

Gene: DUOX2 (dual oxidase 2; minus strand). Cytogenetic location: 15q21.1.
Variant type: single nucleotide variant.
Coding change: c.2573A>T on transcript NM_001363711.2 (MANE Select); coding-DNA position 2573, A replaced by T.
Protein change: p.Asp858Val; replaces aspartic acid 858 with valine.
Molecular consequence: missense variant.
Genome position (GRCh38, 1-based): chr15:45,104,041, T>A on the plus strand (A>T on the coding strand, the complement: DUOX2 is on the minus strand). VCF-style: chr15-45104041-T-A. GRCh37 (hg19) VCF-style: chr15-45396239-T-A.
Other names: c.2573A>T, p.Asp858Val (NM_014080.5); short protein forms D858V.
Identifiers: ClinVar variation 1426394 (VCV001426394.7), dbSNP rs753930411, ClinGen allele CA7538211.

ClinVar aggregate classification (germline): Uncertain significance (1 of 4 stars; one submission).

Allele frequency attached by ClinVar (database versions not stated): TOPMed below 0.00001; gnomAD 0.00001; ExAC 0.00002; gnomAD exomes 0.00002.
gnomAD v4.1: 10 of 1,613,998 alleles (0.00062%); highest among the groups gnomAD compares: African/African-American, 0.0027%; no homozygotes.

Submission:

Labcorp Genetics (formerly Invitae), Labcorp
Classification: Uncertain significance. Last evaluated: 2024-09-30. Review status: criteria provided, single submitter. Criteria: Invitae Variant Classification Sherloc (09022015). Collection method: clinical testing. Allele origin: germline.
Comment: This sequence change replaces aspartic acid, which is acidic and polar, with valine, which is neutral and non-polar, at codon 858 of the DUOX2 protein (p.Asp858Val). This variant is present in population databases (rs753930411, gnomAD 0.007%). This missense change has been observed in individual(s) with congenital hypothyroidism (PMID: 33631011). ClinVar contains an entry for this variant (Variation ID: 1426394). Invitae Evidence Modeling of protein sequence and biophysical properties (such as structural, functional, and spatial information, amino acid conservation, physicochemical variation, residue mobility, and thermodynamic stability) indicates that this missense variant is not expected to disrupt DUOX2 protein function with a negative predictive value of 80%. In summary, the available evidence is currently insufficient to determine the role of this variant in disease. Therefore, it has been classified as a Variant of Uncertain Significance.

Literature cited by the submitters: PubMed 33631011.